The following is an entry in ClinVar:

NM_001042517.2(DIAPH3):c.2863-3T>C

Gene: DIAPH3 (diaphanous related formin 3; minus strand). Cytogenetic location: 13q21.2.
Variant type: single nucleotide variant.
Coding change: c.2863-3T>C on transcript NM_001042517.2 (MANE Select); 3 bases into the intron before coding-DNA position 2863, T replaced by C.
Molecular consequence: intron variant.
Genome position (GRCh38, 1-based): chr13:59,833,274, A>G on the plus strand (T>C on the coding strand, the complement: DIAPH3 is on the minus strand). VCF-style: chr13-59833274-A-G. GRCh37 (hg19) VCF-style: chr13-60407408-A-G.
Other names: c.2653-3T>C (NM_001258368.2); c.2725-3T>C (NM_001258367.2); c.2830-3T>C (NM_001258366.2); c.2863-3T>C (NM_001258369.2); c.2074-3T>C (NM_030932.4).
Identifiers: ClinVar variation 1065021 (VCV001065021.3), dbSNP rs1029660130, ClinGen allele CA250947879.
Genomic context (GRCh38, chr13:59,833,274, plus strand): 5'-TGTTTTCGTGTAACTTCGAAAGTGTCTCATATTGTTCTTTTGCACTGATAACAAATCTGT[A>G]TACTATAGTTAAGGTATTCTGAAATTTACAAAGTAATGCTTTGGGGGCAGGGGGAACTCT-3'

ClinVar aggregate classification (germline): Uncertain significance (1 of 4 stars; one submission).

Conditions:
Hearing impairment. Also called: Impaired Hearing. Identifiers: MedGen C1384666, MONDO:0005365, HP:0000365.

Allele frequency attached by ClinVar (database versions not stated): gnomAD exomes below 0.00001; gnomAD 0.00001; TOPMed 0.00002.
gnomAD v4.1: 13 of 1,603,434 alleles (0.00081%); highest among the groups gnomAD compares: Middle Eastern, 0.068%; no homozygotes.

Submission:

Department of Otolaryngology – Head & Neck Surgery, Cochlear Implant Center
Classification: Uncertain significance for Hearing impairment. Last evaluated: 2021-04-12. Review status: criteria provided, single submitter. Criteria: ClinGen HL ACMG Specifications v1. Collection method: clinical testing. Allele origin: germline. Affected: yes.
Comment: PM2_Moderate